The following is an entry in ClinVar:

ClinVar aggregate classification (germline): Uncertain significance (1 of 4 stars; one submission).

Conditions:
Gamma-aminobutyric acid transaminase deficiency (GABATD). Also called: GABA aminotransaminase deficiency; GABA transaminase deficiency; Gamma aminobutyrate transaminase deficiency; 4 alpha aminobutyrate transaminase deficiency. Identifiers: Orphanet 2066, MedGen C0342708, MONDO:0013166, OMIM 613163.

gnomAD v4.1: 2 of 1,613,922 alleles (0.00012%); highest among the groups gnomAD compares: Non-Finnish European, 0.00017%; no homozygotes.

Submission:

Labcorp Genetics (formerly Invitae), Labcorp
Classification: Uncertain significance for Gamma-aminobutyric acid transaminase deficiency. Last evaluated: 2024-10-08. Review status: criteria provided, single submitter. Criteria: Invitae Variant Classification Sherloc (09022015). Collection method: clinical testing. Allele origin: germline.
Comment: This sequence change replaces arginine, which is basic and polar, with leucine, which is neutral and non-polar, at codon 425 of the ABAT protein (p.Arg425Leu). This variant is not present in population databases (gnomAD no frequency). This variant has not been reported in the literature in individuals affected with ABAT-related conditions. ClinVar contains an entry for this variant (Variation ID: 1001431). Invitae Evidence Modeling of protein sequence and biophysical properties (such as structural, functional, and spatial information, amino acid conservation, physicochemical variation, residue mobility, and thermodynamic stability) indicates that this missense variant is not expected to disrupt ABAT protein function with a negative predictive value of 80%. In summary, the available evidence is currently insufficient to determine the role of this variant in disease. Therefore, it has been classified as a Variant of Uncertain Significance.

NM_020686.6(ABAT):c.1274G>T (p.Arg425Leu)

Gene: ABAT (4-aminobutyrate aminotransferase; plus strand). Cytogenetic location: 16p13.2.
Variant type: single nucleotide variant.
Coding change: c.1274G>T on transcript NM_020686.6 (MANE Select); coding-DNA position 1274, G replaced by T.
Protein change: p.Arg425Leu; replaces arginine 425 with leucine.
Molecular consequence: missense variant. On other transcripts: intron variant (1).
Genome position (GRCh38, 1-based): chr16:8,779,483, G>T. VCF-style: chr16-8779483-G-T. GRCh37 (hg19) VCF-style: chr16-8873340-G-T.
Other names: c.1274G>T, p.Arg425Leu (NM_000663.5, NM_001127448.2, NM_001386600.1 and 5 more transcripts); c.1235G>T, p.Arg412Leu (NM_001386605.1); c.1211G>T, p.Arg404Leu (NM_001386606.1, NM_001386607.1); c.1181G>T, p.Arg394Leu (NM_001386608.1); c.1139G>T, p.Arg380Leu (NM_001386610.1, NM_001386611.1); c.1076G>T, p.Arg359Leu (NM_001386612.1, NM_001386613.1); c.1028G>T, p.Arg343Leu (NM_001386614.1); c.1370G>T, p.Arg457Leu (NM_001386615.1); and 1 more; short protein forms R425L, R343L, R359L, R380L, R394L, R404L, R412L, R457L.
Identifiers: ClinVar variation 1001431 (VCV001001431.5), dbSNP rs368127499, ClinGen allele CA394690456.